The following is an entry in ClinVar:

ClinVar aggregate classification (germline): Likely pathogenic (1 of 4 stars; one submission).

Submission:

GeneDx
Classification: Likely pathogenic. Last evaluated: 2024-08-20. Review status: criteria provided, single submitter. Criteria: GeneDx Variant Classification Process June 2021. Collection method: clinical testing. Allele origin: germline. Affected: yes.
Comment: Not observed at significant frequency in large population cohorts (gnomAD); In silico analysis supports that this missense variant has a deleterious effect on protein structure/function; Has not been previously published as pathogenic or benign to our knowledge

NM_001256012.3(MYH10):c.2123G>A (p.Arg708His)

Gene: MYH10 (myosin heavy chain 10; minus strand). Cytogenetic location: 17p13.1.
Variant type: single nucleotide variant.
Coding change: c.2123G>A on transcript NM_001256012.3 (MANE Select); coding-DNA position 2123, G replaced by A.
Protein change: p.Arg708His; replaces arginine 708 with histidine.
Molecular consequence: missense variant.
Genome position (GRCh38, 1-based): chr17:8,521,120, C>T on the plus strand (G>A on the coding strand, the complement: MYH10 is on the minus strand). VCF-style: chr17-8521120-C-T. GRCh37 (hg19) VCF-style: chr17-8424438-C-T.
Other names: c.2057G>A, p.Arg686His (NM_001256095.2); c.2060G>A, p.Arg687His (NM_001375266.1); c.2030G>A, p.Arg677His (NM_005964.5); short protein forms R677H, R686H, R687H, R708H.
Identifiers: ClinVar variation 3764196 (VCV003764196.1).